The following is an entry in ClinVar:

ClinVar aggregate classification (germline): Uncertain significance. Review status: criteria provided, multiple submitters, no conflicts (2 of 4 stars). 2 submissions from 2 submitters: Uncertain significance (2). Last evaluated 2025-06-06.

Conditions:
Developmental and epileptic encephalopathy, 1 (DEE1). Also called: OHTAHARA SYNDROME, X-LINKED; INFANTILE SPASM SYNDROME, X-LINKED 1; X-linked infantile spasms; West's syndrome; Tonic spasms with clustering, arrest of psychomotor development and hypsarrhythmia on EEG; X-Linked Infantile Spasm Syndrome. Identifiers: MedGen C3463992, MONDO:0010632, OMIM 308350. Disease mechanism: loss of function.
Autosomal recessive spinocerebellar ataxia 12. Also called: SPINOCEREBELLAR ATAXIA WITH MENTAL RETARDATION AND EPILEPSY. Identifiers: Orphanet 284282, MedGen C3280452, MONDO:0013687, OMIM 614322.

Submissions (2):

GeneDx
Classification: Uncertain significance. Last evaluated: 2025-06-06. Review status: criteria provided, single submitter. Criteria: GeneDx Variant Classification Process June 2021. Collection method: clinical testing. Allele origin: germline. Affected: yes.
Comment: Not observed at significant frequency in large population cohorts (gnomAD); In silico analysis supports that this missense variant has a deleterious effect on protein structure/function; Has not been previously published as pathogenic or benign to our knowledge; This variant is associated with the following publications: (PMID: 25411445)

Labcorp Genetics (formerly Invitae), Labcorp
Classification: Uncertain significance for Developmental and epileptic encephalopathy, 1; Autosomal recessive spinocerebellar ataxia 12. Last evaluated: 2025-03-17. Review status: criteria provided, single submitter. Criteria: Invitae Variant Classification Sherloc (09022015). Collection method: clinical testing. Allele origin: germline.
Comment: This sequence change replaces asparagine, which is neutral and polar, with isoleucine, which is neutral and non-polar, at codon 36 of the WWOX protein (p.Asn36Ile). This variant is present in population databases (no rsID available, gnomAD 0.01%). This variant has not been reported in the literature in individuals affected with WWOX-related conditions. ClinVar contains an entry for this variant (Variation ID: 1355835). An algorithm developed to predict the effect of missense changes on protein structure and function (PolyPhen-2) suggests that this variant is likely to be disruptive. In summary, the available evidence is currently insufficient to determine the role of this variant in disease. Therefore, it has been classified as a Variant of Uncertain Significance.

NM_016373.4(WWOX):c.107A>T (p.Asn36Ile)

Gene: WWOX (WW domain containing oxidoreductase; plus strand). Cytogenetic location: 16q23.1.
Variant type: single nucleotide variant.
Coding change: c.107A>T on transcript NM_016373.4 (MANE Select); coding-DNA position 107, A replaced by T.
Protein change: p.Asn36Ile; replaces asparagine 36 with isoleucine.
Molecular consequence: missense variant. On other transcripts: 5 prime UTR variant (1), non-coding transcript variant (2).
Genome position (GRCh38, 1-based): chr16:78,099,885, A>T. VCF-style: chr16-78099885-A-T. GRCh37 (hg19) VCF-style: chr16-78133782-A-T.
Other names: c.107A>T (NM_016373.2); c.-168A>T (NM_001291997.2); c.107A>T, p.Asn36Ile (NM_130791.5); short protein forms N36I.
Identifiers: ClinVar variation 1355835 (VCV001355835.8), dbSNP rs1316489119, ClinGen allele CA396841955.